The following is an entry in ClinVar:

ClinVar aggregate classification (germline): Uncertain significance (1 of 4 stars; one submission).

Allele frequency attached by ClinVar (database versions not stated): gnomAD 0.00001; TOPMed 0.00001.
gnomAD v4.1: 1 of 1,607,506 alleles (0.000062%); highest among the groups gnomAD compares: African/African-American, 0.0013%; no homozygotes.

Submission:

Labcorp Genetics (formerly Invitae), Labcorp
Classification: Uncertain significance. Last evaluated: 2022-08-15. Review status: criteria provided, single submitter. Criteria: Invitae Variant Classification Sherloc (09022015). Collection method: clinical testing. Allele origin: germline.
Comment: In summary, the available evidence is currently insufficient to determine the role of this variant in disease. Therefore, it has been classified as a Variant of Uncertain Significance. Algorithms developed to predict the effect of missense changes on protein structure and function (SIFT, PolyPhen-2, Align-GVGD) all suggest that this variant is likely to be tolerated. ClinVar contains an entry for this variant (Variation ID: 1481412). This variant has not been reported in the literature in individuals affected with KIF11-related conditions. This variant is not present in population databases (gnomAD no frequency). This sequence change replaces methionine, which is neutral and non-polar, with leucine, which is neutral and non-polar, at codon 726 of the KIF11 protein (p.Met726Leu).

NM_004523.4(KIF11):c.2176A>T (p.Met726Leu)

Gene: KIF11 (kinesin family member 11; plus strand). Cytogenetic location: 10q23.33.
Variant type: single nucleotide variant.
Coding change: c.2176A>T on transcript NM_004523.4 (MANE Select); coding-DNA position 2176, A replaced by T.
Protein change: p.Met726Leu; replaces methionine 726 with leucine.
Molecular consequence: missense variant.
Genome position (GRCh38, 1-based): chr10:92,639,809, A>T. VCF-style: chr10-92639809-A-T. GRCh37 (hg19) VCF-style: chr10-94399566-A-T.
Other names: short protein forms M726L.
Identifiers: ClinVar variation 1481412 (VCV001481412.6), dbSNP rs922798166, ClinGen allele CA211514680.